The following is an entry in ClinVar:

NM_001276270.2(MBD4):c.550T>C (p.Cys184Arg)

Gene: MBD4 (methyl-CpG binding domain 4, DNA glycosylase; minus strand). Cytogenetic location: 3q21.3.
Variant type: single nucleotide variant.
Coding change: c.550T>C on transcript NM_001276270.2 (MANE Select); coding-DNA position 550, T replaced by C.
Protein change: p.Cys184Arg; replaces cysteine 184 with arginine.
Molecular consequence: missense variant. On other transcripts: intron variant (1).
Genome position (GRCh38, 1-based): chr3:129,437,094, A>G on the plus strand (T>C on the coding strand, the complement: MBD4 is on the minus strand). VCF-style: chr3-129437094-A-G. GRCh37 (hg19) VCF-style: chr3-129155937-A-G.
Other names: c.550T>C, p.Cys184Arg (NM_001276271.2, NM_001276272.2, NM_003925.3); c.247+714T>C (NM_001276273.2); short protein forms C184R.
Identifiers: ClinVar variation 4052200 (VCV004052200.1).

ClinVar aggregate classification (germline): Uncertain significance (1 of 4 stars; one submission).

Conditions:
Inborn genetic diseases. Identifiers: MedGen C0950123, MeSH D030342.

gnomAD v4.1: 1 of 1,613,936 alleles (0.000062%); highest among the groups gnomAD compares: East Asian, 0.0022%; no homozygotes.

Submission:

Ambry Genetics
Classification: Uncertain significance for Inborn genetic diseases. Last evaluated: 2025-04-11. Review status: criteria provided, single submitter. Criteria: Ambry Variant Classification Scheme 2023. Collection method: clinical testing. Allele origin: germline.
Comment: The p.C184R variant (also known as c.550T>C), located in coding exon 3 of the MBD4 gene, results from a T to C substitution at nucleotide position 550. The cysteine at codon 184 is replaced by arginine, an amino acid with highly dissimilar properties. This amino acid position is conserved. In addition, this alteration is predicted to be tolerated by in silico analysis. Based on the available evidence, the clinical significance of this variant remains unclear.